The following is an entry in ClinVar:

NM_001042432.2(CLN3):c.582G>T (p.Leu194=)

Gene: CLN3 (CLN3 lysosomal/endosomal transmembrane protein, battenin; minus strand). Cytogenetic location: 16p12.1.
Variant type: single nucleotide variant.
Coding change: c.582G>T on transcript NM_001042432.2 (MANE Select); coding-DNA position 582, G replaced by T.
Protein change: p.Leu194=; no amino-acid change (leucine 194 retained).
Molecular consequence: synonymous variant.
Genome position (GRCh38, 1-based): chr16:28,486,442, C>A on the plus strand (G>T on the coding strand, the complement: CLN3 is on the minus strand). VCF-style: chr16-28486442-C-A. GRCh37 (hg19) VCF-style: chr16-28497763-C-A.
Other names: c.582G>T, p.Leu194= (NM_000086.2); c.510G>T, p.Leu170= (NM_001286104.2); c.282G>T, p.Leu94= (NM_001286105.2); c.348G>T, p.Leu116= (NM_001286109.2); c.420G>T, p.Leu140= (NM_001286110.2).
Identifiers: ClinVar variation 56285 (VCV000056285.16), dbSNP rs386833734, ClinGen allele CA263717.

ClinVar aggregate classification (germline): Likely benign. Review status: criteria provided, multiple submitters, no conflicts (2 of 4 stars). 5 submissions from 5 submitters: Likely benign (2). 3 of the submissions do not count toward it. Last evaluated 2025-12-14.

Conditions:
Neuronal ceroid lipofuscinosis. Also called: Neuronal Ceroid Lipofuscinoses. Identifiers: Orphanet 216, Orphanet 79263, MedGen C0027877, MONDO:0016295. Disease mechanism: loss of function.
CLN3-related disorder. Also called: CLN3-related condition. Identifiers: MedGen CN382248.
Neuronal ceroid lipofuscinosis 3 (CLN3). Identifiers: Orphanet 228346, MedGen C0751383, MONDO:0008767, OMIM 204200.

Allele frequency attached by ClinVar (database versions not stated): gnomAD exomes below 0.00001; ExAC 0.00001.
gnomAD v4.1: 1 of 1,613,310 alleles (0.000062%); highest among the groups gnomAD compares: Non-Finnish European, 0.000085%; no homozygotes.

Submissions (5):

Labcorp Genetics (formerly Invitae), Labcorp
Classification: Likely benign for Neuronal ceroid lipofuscinosis. Last evaluated: 2025-12-14. Review status: criteria provided, single submitter. Criteria: Invitae Variant Classification Sherloc (09022015). Collection method: clinical testing. Allele origin: germline.

Athena Diagnostics
Classification: Likely benign. Last evaluated: 2018-11-14. Review status: criteria provided, single submitter. Criteria: Athena Diagnostics Criteria. Collection method: clinical testing. Allele origin: germline.

PreventionGenetics, part of Exact Sciences
Classification: Likely benign for CLN3-related condition. Last evaluated: 2022-02-28. Review status: no assertion criteria provided. Collection method: clinical testing. Allele origin: germline. Not counted in ClinVar's aggregate classification.
Comment: This variant is classified as likely benign based on ACMG/AMP sequence variant interpretation guidelines (Richards et al. 2015 PMID: 25741868, with internal and published modifications).

Counsyl
Classification: Likely benign for Juvenile neuronal ceroid lipofuscinosis. Last evaluated: 2014-11-07. Review status: no assertion criteria provided. Collection method: literature only. Allele origin: unknown. Inheritance: Autosomal recessive inheritance. Not counted in ClinVar's aggregate classification.

Juha Muilu Group; Institute for Molecular Medicine Finland (FIMM)
Classification: Likely pathogenic for Juvenile neuronal ceroid lipofuscinosis. Review status: no assertion criteria provided. Collection method: not provided. Allele origin: unknown. Not counted in ClinVar's aggregate classification.
Comment: FinDis database variant: This variant was not found or characterized by our laboratory, data were collected from public sources: see reference
ClinVar note: Converted during submission from probable-pathogenic to Likely pathogenic.

Literature cited by the submitters: PubMed 19489875 (cited by Athena Diagnostics and Counsyl).